The following is an entry in ClinVar:

ClinVar aggregate classification (germline): Uncertain significance. Review status: criteria provided, multiple submitters, no conflicts (2 of 4 stars). 2 submissions from 2 submitters: Uncertain significance (2). Last evaluated 2026-01-13.

Conditions:
ELF4-related disorder. Also called: ELF4-related condition.

Submissions (2):

PreventionGenetics, part of Exact Sciences
Classification: Uncertain significance for ELF4-related condition. Last evaluated: 2026-01-13. Review status: criteria provided, single submitter. Criteria: ACMG Guidelines, 2015. Collection method: clinical testing. Allele origin: germline.
Comment: The ELF4 c.1484G>A variant is predicted to result in the amino acid substitution p.Arg495His. To our knowledge, this variant has not been reported in the literature. This variant is reported in 0.0077% of alleles in individuals of European (Non-Finnish) descent in gnomAD. Although we suspect that this variant may be benign, at this time, the clinical significance of this variant is uncertain due to the absence of conclusive functional and genetic evidence.

Ambry Genetics
Classification: Uncertain significance. Last evaluated: 2024-11-21. Review status: criteria provided, single submitter. Criteria: Ambry Variant Classification Scheme 2023. Collection method: clinical testing. Allele origin: germline.

NM_001421.4(ELF4):c.1484G>A (p.Arg495His)

Gene: ELF4 (E74 like ETS transcription factor 4; minus strand). Cytogenetic location: Xq26.1.
Variant type: single nucleotide variant.
Coding change: c.1484G>A on transcript NM_001421.4 (MANE Select); coding-DNA position 1484, G replaced by A.
Protein change: p.Arg495His; replaces arginine 495 with histidine.
Molecular consequence: missense variant.
Genome position (GRCh38, 1-based): chrX:130,067,229, C>T on the plus strand (G>A on the coding strand, the complement: ELF4 is on the minus strand). VCF-style: chrX-130067229-C-T. GRCh37 (hg19) VCF-style: chrX-129201204-C-T.
Other names: c.1484G>A, p.Arg495His (NM_001127197.2); short protein forms R495H.
Identifiers: ClinVar variation 3507861 (VCV003507861.2).